The following is an entry in ClinVar:

ClinVar aggregate classification (germline): Uncertain significance (1 of 4 stars; one submission).

Conditions:
Oligodontia-cancer predisposition syndrome. Also called: TOOTH AGENESIS-COLORECTAL CANCER SYNDROME. Identifiers: Orphanet 300576, MedGen C1837750, MONDO:0012075, OMIM 608615. Disease mechanism: loss of function.

Submission:

Labcorp Genetics (formerly Invitae), Labcorp
Classification: Uncertain significance for Oligodontia-cancer predisposition syndrome. Last evaluated: 2022-10-04. Review status: criteria provided, single submitter. Criteria: Invitae Variant Classification Sherloc (09022015). Collection method: clinical testing. Allele origin: germline.
Comment: Advanced modeling of protein sequence and biophysical properties (such as structural, functional, and spatial information, amino acid conservation, physicochemical variation, residue mobility, and thermodynamic stability) performed at Invitae indicates that this missense variant is not expected to disrupt AXIN2 protein function. This sequence change replaces histidine, which is basic and polar, with proline, which is neutral and non-polar, at codon 757 of the AXIN2 protein (p.His757Pro). This variant is not present in population databases (gnomAD no frequency). This variant has not been reported in the literature in individuals affected with AXIN2-related conditions. ClinVar contains an entry for this variant (Variation ID: 568084). In summary, the available evidence is currently insufficient to determine the role of this variant in disease. Therefore, it has been classified as a Variant of Uncertain Significance.

NM_004655.4(AXIN2):c.2270A>C (p.His757Pro)

Gene: AXIN2 (axin 2; minus strand). Cytogenetic location: 17q24.1.
Variant type: single nucleotide variant.
Coding change: c.2270A>C on transcript NM_004655.4 (MANE Select); coding-DNA position 2270, A replaced by C.
Protein change: p.His757Pro; replaces histidine 757 with proline.
Molecular consequence: missense variant.
Genome position (GRCh38, 1-based): chr17:65,534,047, T>G on the plus strand (A>C on the coding strand, the complement: AXIN2 is on the minus strand). VCF-style: chr17-65534047-T-G. GRCh37 (hg19) VCF-style: chr17-63530165-T-G.
Other names: c.2270A>C (LRG_296t1); c.2075A>C, p.His692Pro (NM_001363813.1); short protein forms H757P, H692P.
Identifiers: ClinVar variation 568084 (VCV000568084.8), dbSNP rs1567752208, ClinGen allele CA400675616.